The following is an entry in ClinVar:

ClinVar aggregate classification (germline): Likely benign. Review status: criteria provided, multiple submitters, no conflicts (2 of 4 stars). 7 submissions from 7 submitters: Likely benign (7). Last evaluated 2025-12-24.

Conditions:
Cardiovascular phenotype. Identifiers: MedGen CN230736.
Hypertrophic cardiomyopathy. Also called: HYPERTROPHIC MYOCARDIOPATHY. Identifiers: Orphanet 217569, MedGen C0007194, MeSH D002312, MONDO:0005045, HP:0001639.
Cardiomyopathy (CMYO). Also called: Cardiomyopathies. Identifiers: Orphanet 167848, MedGen C0878544, MONDO:0004994, HP:0001638. Inheritance: Various modes of inheritance.

Allele frequency attached by ClinVar (database versions not stated): gnomAD exomes 0.00005; TOPMed 0.00005; ExAC 0.00006; gnomAD 0.00007 and 0.00008.
gnomAD v4.1: 37 of 1,597,932 alleles (0.0023%); highest among the groups gnomAD compares: African/African-American, 0.004%; no homozygotes.

Submissions (7):

Labcorp Genetics (formerly Invitae), Labcorp
Classification: Likely benign for Hypertrophic cardiomyopathy. Last evaluated: 2025-12-24. Review status: criteria provided, single submitter. Criteria: Invitae Variant Classification Sherloc (09022015). Collection method: clinical testing. Allele origin: germline.

CeGaT Center for Human Genetics Tuebingen
Classification: Likely benign. Last evaluated: 2024-06-01. Review status: criteria provided, single submitter. Criteria: CeGaT Center For Human Genetics Tuebingen Variant Classification Criteria Version 2. Collection method: clinical testing. Allele origin: germline. Affected: yes. Observed: 1 variant allele.
Comment: MYBPC3: BP4, BP7

All of Us Research Program, National Institutes of Health
Classification: Likely benign for Hypertrophic cardiomyopathy. Last evaluated: 2023-12-13. Review status: criteria provided, single submitter. Criteria: ACMG Guidelines, 2015. Collection method: clinical testing. Allele origin: germline. Inheritance: Autosomal dominant inheritance. Observed: 18 variant alleles, 18 heterozygotes.
Comment: This study involves interpretation of variants in research participants for the purpose of population health screening. Participant phenotype was not available at the time of variant classification. Additional details can be found in publication PMID: 35346344, PMCID: PMC8962531

Blueprint Genetics
Classification: Likely benign. Last evaluated: 2023-09-27. Review status: criteria provided, single submitter. Criteria: ACMG Guidelines, 2015. Collection method: clinical testing. Allele origin: germline.

CHEO Genetics Diagnostic Laboratory, Children's Hospital of Eastern Ontario
Classification: Likely benign for Cardiomyopathy. Last evaluated: 2023-05-11. Review status: criteria provided, single submitter. Criteria: ACMG Guidelines, 2015. Collection method: clinical testing. Allele origin: germline.

Ambry Genetics
Classification: Likely benign for Cardiovascular phenotype. Last evaluated: 2020-03-27. Review status: criteria provided, single submitter. Criteria: Ambry Variant Classification Scheme 2023. Collection method: clinical testing. Allele origin: germline.

Color Diagnostics, LLC DBA Color Health
Classification: Likely benign for Cardiomyopathy. Last evaluated: 2019-03-08. Review status: criteria provided, single submitter. Criteria: ACMG Guidelines, 2015. Collection method: clinical testing. Allele origin: germline.

NM_000256.3(MYBPC3):c.66C>T (p.Ala22=)

Gene: MYBPC3 (myosin binding protein C3; minus strand). Cytogenetic location: 11p11.2.
Variant type: single nucleotide variant.
Coding change: c.66C>T on transcript NM_000256.3 (MANE Select); coding-DNA position 66, C replaced by T.
Protein change: p.Ala22=; no amino-acid change (alanine 22 retained).
Molecular consequence: synonymous variant.
Genome position (GRCh38, 1-based): chr11:47,351,465, G>A on the plus strand (C>T on the coding strand, the complement: MYBPC3 is on the minus strand). VCF-style: chr11-47351465-G-A. GRCh37 (hg19) VCF-style: chr11-47373016-G-A.
Identifiers: ClinVar variation 698906 (VCV000698906.35), dbSNP rs765986295, ClinGen allele CA056430.